The following is an entry in ClinVar:

ClinVar aggregate classification (germline): Benign/Likely benign. Review status: criteria provided, multiple submitters, no conflicts (2 of 4 stars). 4 submissions from 4 submitters: Benign (2); Likely benign (2). Last evaluated 2025-12-23.

Allele frequency attached by ClinVar (database versions not stated): gnomAD exomes 0.00034 and 0.00093; ExAC 0.00107; gnomAD 0.00266 and 0.00271; TOPMed 0.00281; ESP Exome Variant Server 0.00323; 1000 Genomes Project 0.00519; 1000 Genomes Project 30x 0.00547.
gnomAD v4.1: 935 of 1,614,136 alleles (0.058%); highest among the groups gnomAD compares: African/African-American, 1%; 3 homozygotes.

Submissions (4):

Labcorp Genetics (formerly Invitae), Labcorp
Classification: Benign. Last evaluated: 2025-12-23. Review status: criteria provided, single submitter. Criteria: Invitae Variant Classification Sherloc (09022015). Collection method: clinical testing. Allele origin: germline.

Blueprint Genetics
Classification: Likely benign. Last evaluated: 2024-11-11. Review status: criteria provided, single submitter. Criteria: ACMG Guidelines, 2015. Collection method: clinical testing. Allele origin: germline.

CeGaT Center for Human Genetics Tuebingen
Classification: Likely benign. Last evaluated: 2023-05-01. Review status: criteria provided, single submitter. Criteria: CeGaT Center For Human Genetics Tuebingen Variant Classification Criteria Version 2. Collection method: clinical testing. Allele origin: germline. Affected: yes. Observed: 1 variant allele.
Comment: PLEKHG2: BP4, BP7

Breakthrough Genomics
Classification: Benign. Review status: criteria provided, single submitter. Criteria: ACMG Guidelines, 2015. Collection method: not provided. Allele origin: germline. Inheritance: Autosomal recessive inheritance. Affected: yes.

NM_022835.3(PLEKHG2):c.1386G>A (p.Gly462=)

Gene: PLEKHG2 (pleckstrin homology and RhoGEF domain containing G2; plus strand). Cytogenetic location: 19q13.2.
Variant type: single nucleotide variant.
Coding change: c.1386G>A on transcript NM_022835.3 (MANE Select); coding-DNA position 1386, G replaced by A.
Protein change: p.Gly462=; no amino-acid change (glycine 462 retained).
Molecular consequence: synonymous variant.
Genome position (GRCh38, 1-based): chr19:39,420,839, G>A. VCF-style: chr19-39420839-G-A. GRCh37 (hg19) VCF-style: chr19-39911479-G-A.
Other names: c.1209G>A, p.Gly403= (NM_001351693.2); c.1386G>A, p.Gly462= (NM_001351694.2).
Identifiers: ClinVar variation 788020 (VCV000788020.35), dbSNP rs149311978, ClinGen allele CA9429473.
Genomic context (GRCh38, chr19:39,420,839, plus strand): 5'-GCCCCTGACACCCCCACTTGGGTCTCCTCGACCTCGAGATGCTAGAAGTTTTACCCCTGG[G>A]CGAAGGAACACAGGTAAAGGCGGTGGATCCCTGAGTCCCAGCCCTCAGCCCCACTTCCCT-3'
Protein context (NP_073746.2, residues 452-472): RPRDARSFTP[Gly462=]RRNTAPSPGP